The following is an entry in ClinVar:

ClinVar aggregate classification (germline): Uncertain significance (1 of 4 stars; one submission).

Conditions:
Epileptic encephalopathy. Identifiers: MedGen C0543888, HP:0200134.

Allele frequency attached by ClinVar (database versions not stated): gnomAD 0.00001; gnomAD exomes 0.00001 and 0.00002; TOPMed 0.00001; ExAC 0.00002.

Submission:

Labcorp Genetics (formerly Invitae), Labcorp
Classification: Uncertain significance for Epileptic encephalopathy. Last evaluated: 2021-10-21. Review status: criteria provided, single submitter. Criteria: Invitae Variant Classification Sherloc (09022015). Collection method: clinical testing. Allele origin: germline.
Comment: In summary, the available evidence is currently insufficient to determine the role of this variant in disease. Therefore, it has been classified as a Variant of Uncertain Significance. Algorithms developed to predict the effect of missense changes on protein structure and function (SIFT, PolyPhen-2, Align-GVGD) all suggest that this variant is likely to be tolerated. This variant has not been reported in the literature in individuals affected with FASN-related conditions. This variant is present in population databases (rs764572985, ExAC 0.002%). This sequence change replaces proline with leucine at codon 693 of the FASN protein (p.Pro693Leu). The proline residue is weakly conserved and there is a moderate physicochemical difference between proline and leucine.

NM_004104.5(FASN):c.2078C>T (p.Pro693Leu)

Gene: FASN (fatty acid synthase; minus strand). Cytogenetic location: 17q25.3.
Variant type: single nucleotide variant.
Coding change: c.2078C>T on transcript NM_004104.5 (MANE Select); coding-DNA position 2078, C replaced by T.
Protein change: p.Pro693Leu; replaces proline 693 with leucine.
Molecular consequence: missense variant.
Genome position (GRCh38, 1-based): chr17:82,089,272, G>A on the plus strand (C>T on the coding strand, the complement: FASN is on the minus strand). VCF-style: chr17-82089272-G-A. GRCh37 (hg19) VCF-style: chr17-80047148-G-A.
Other names: short protein forms P693L.
Identifiers: ClinVar variation 1466825 (VCV001466825.6), dbSNP rs764572985, ClinGen allele CA8852927.